The following is an entry in ClinVar:

ClinVar aggregate classification (germline): Uncertain significance (1 of 4 stars; one submission).

Conditions:
Long QT syndrome (LQTS). Identifiers: MedGen C0023976, MeSH D008133, MONDO:0002442. Disease mechanism: loss of function. Inheritance: Various modes of inheritance.

gnomAD v4.1: 10 of 1,613,088 alleles (0.00062%); highest among the groups gnomAD compares: Non-Finnish European, 0.00076%; no homozygotes.

Submission:

Labcorp Genetics (formerly Invitae), Labcorp
Classification: Uncertain significance for Long QT syndrome. Last evaluated: 2021-11-06. Review status: criteria provided, single submitter. Criteria: Invitae Variant Classification Sherloc (09022015). Collection method: clinical testing. Allele origin: germline.
Comment: Algorithms developed to predict the effect of missense changes on protein structure and function (SIFT, PolyPhen-2, Align-GVGD) all suggest that this variant is likely to be disruptive. In summary, the available evidence is currently insufficient to determine the role of this variant in disease. Therefore, it has been classified as a Variant of Uncertain Significance. This variant has not been reported in the literature in individuals affected with CACNA1C-related conditions. This variant is not present in population databases (gnomAD no frequency). This sequence change replaces tyrosine, which is neutral and polar, with cysteine, which is neutral and slightly polar, at codon 1504 of the CACNA1C protein (p.Tyr1504Cys).

NM_000719.7(CACNA1C):c.4511A>G (p.Tyr1504Cys)

Gene: CACNA1C (calcium voltage-gated channel subunit alpha1 C; plus strand). Cytogenetic location: 12p13.33.
Variant type: single nucleotide variant.
Coding change: c.4511A>G on transcript NM_000719.7 (MANE Select); coding-DNA position 4511, A replaced by G.
Protein change: p.Tyr1504Cys; replaces tyrosine 1504 with cysteine.
Molecular consequence: missense variant.
Genome position (GRCh38, 1-based): chr12:2,665,693, A>G. VCF-style: chr12-2665693-A-G. GRCh37 (hg19) VCF-style: chr12-2774859-A-G.
Other names: c.4655A>G, p.Tyr1552Cys (NM_001129827.2, NM_199460.4); c.4577A>G, p.Tyr1526Cys (NM_001129829.2); c.4511A>G, p.Tyr1504Cys (NM_001129830.3, NM_001129833.2, NM_001129834.2 and 7 more transcripts); c.4595A>G, p.Tyr1532Cys (NM_001129831.2); c.4571A>G, p.Tyr1524Cys (NM_001129832.2); c.4562A>G, p.Tyr1521Cys (NM_001129836.2); c.4478A>G, p.Tyr1493Cys (NM_001129837.2, NM_001129838.2, NM_001129846.2 and 1 more transcripts); c.4472A>G, p.Tyr1491Cys (NM_001129839.2); and 1 more; short protein forms Y1521C, Y1532C, Y1501C, Y1504C, Y1524C, Y1526C, Y1552C, Y1491C.
Identifiers: ClinVar variation 1371294 (VCV001371294.6), dbSNP rs2153709630, ClinGen allele CA383376358.